The following is an entry in ClinVar:

ClinVar aggregate classification (germline): Likely pathogenic (1 of 4 stars; one submission).

Conditions:
Autoinflammation with arthritis and vasculitis. Identifiers: MedGen C5935634, MONDO:0971173, OMIM 620880.
Encephalopathy, acute, infection-induced (herpes-specific), susceptibility to, 8. Also called: HERPES SIMPLEX ENCEPHALITIS, SUSCEPTIBILITY TO, 6. Identifiers: MedGen C4693542, MONDO:0054754, OMIM 617900.
Frontotemporal dementia and/or amyotrophic lateral sclerosis 4. Also called: FTDALS4. Identifiers: Orphanet 275872, MedGen C4225325, MONDO:0014641, OMIM 616439.

Submission:

Juno Genomics, Hangzhou Juno Genomics, Inc
Classification: Likely pathogenic for Autoinflammation with arthritis and vasculitis; Encephalopathy, acute, infection-induced (herpes-specific), susceptibility to, 8; Frontotemporal dementia and/or amyotrophic lateral sclerosis 4. Review status: criteria provided, single submitter. Criteria: ACMG Guidelines, 2015. Collection method: clinical testing. Allele origin: germline.
Comment: Null variant in a gene where loss of function (LOF) is a known mechanism of disease.;Absent from controls (or at extremely low frequency if recessive) in Genome Aggregation Database.

NM_013254.4(TBK1):c.1847C>A (p.Ser616Ter)

Gene: TBK1 (TANK binding kinase 1; plus strand). Cytogenetic location: 12q14.2.
Variant type: single nucleotide variant.
Coding change: c.1847C>A on transcript NM_013254.4 (MANE Select); coding-DNA position 1847, C replaced by A.
Protein change: p.Ser616Ter; replaces serine 616 with a stop codon.
Molecular consequence: nonsense.
Genome position (GRCh38, 1-based): chr12:64,497,035, C>A. VCF-style: chr12-64497035-C-A. GRCh37 (hg19) VCF-style: chr12-64890815-C-A.
Other names: short protein forms S616*.
Identifiers: ClinVar variation 5005151 (VCV005005151.2).
Genomic context (GRCh38, chr12:64,497,035, plus strand): 5'-AAGCTATGACGCACTTTACAGATGAATGTGTTAAAAAGTATGAGGCATTTTTGAATAAGT[C>A]AGAAGAATGGATAAGGTGAGTAAACTTCTTTTGGAGTGATTAGTGGTTGACTGCACAATA-3'